The following is an entry in ClinVar:

NM_015693.4(INTU):c.407A>G (p.Asn136Ser)

Gene: INTU (inturned planar cell polarity protein; plus strand). Cytogenetic location: 4q28.1.
Variant type: single nucleotide variant.
Coding change: c.407A>G on transcript NM_015693.4 (MANE Select); coding-DNA position 407, A replaced by G.
Protein change: p.Asn136Ser; replaces asparagine 136 with serine.
Molecular consequence: missense variant.
Genome position (GRCh38, 1-based): chr4:127,643,781, A>G. VCF-style: chr4-127643781-A-G. GRCh37 (hg19) VCF-style: chr4-128564936-A-G.
Other names: c.407A>G (NM_015693.3); short protein forms N136S.
Identifiers: ClinVar variation 2895759 (VCV002895759.4), dbSNP rs143158055, ClinGen allele CA3074782.

ClinVar aggregate classification (germline): Conflicting classifications of pathogenicity. Review status: criteria provided, conflicting classifications (1 of 4 stars). 2 submissions from 2 submitters: Uncertain significance (1); Likely benign (1). Last evaluated 2024-11-13.

Conditions:
Inborn genetic diseases. Identifiers: MedGen C0950123, MeSH D030342.

Allele frequency attached by ClinVar (database versions not stated): gnomAD exomes 0.00003; ExAC 0.00007; 1000 Genomes Project 30x 0.00016; 1000 Genomes Project 0.00020; gnomAD 0.00025; ESP Exome Variant Server 0.00031; TOPMed 0.00035.
gnomAD v4.1: 74 of 1,614,066 alleles (0.0046%); highest among the groups gnomAD compares: African/African-American, 0.08%; no homozygotes.

Submissions (2):

Ambry Genetics
Classification: Likely benign for Inborn genetic diseases. Last evaluated: 2024-11-13. Review status: criteria provided, single submitter. Criteria: Ambry Variant Classification Scheme 2023. Collection method: clinical testing. Allele origin: germline.

Labcorp Genetics (formerly Invitae), Labcorp
Classification: Uncertain significance. Last evaluated: 2023-03-26. Review status: criteria provided, single submitter. Criteria: Invitae Variant Classification Sherloc (09022015). Collection method: clinical testing. Allele origin: germline.
Comment: In summary, the available evidence is currently insufficient to determine the role of this variant in disease. Therefore, it has been classified as a Variant of Uncertain Significance. Advanced modeling of protein sequence and biophysical properties (such as structural, functional, and spatial information, amino acid conservation, physicochemical variation, residue mobility, and thermodynamic stability) performed at Invitae indicates that this missense variant is not expected to disrupt INTU protein function. This variant has not been reported in the literature in individuals affected with INTU-related conditions. This variant is present in population databases (rs143158055, gnomAD 0.08%), and has an allele count higher than expected for a pathogenic variant. This sequence change replaces asparagine, which is neutral and polar, with serine, which is neutral and polar, at codon 136 of the INTU protein (p.Asn136Ser).